The following is an entry in ClinVar:

NM_001244710.2(GFPT1):c.305C>G (p.Pro102Arg)

Gene: GFPT1 (glutamine--fructose-6-phosphate transaminase 1; minus strand). Cytogenetic location: 2p13.3.
Variant type: single nucleotide variant.
Coding change: c.305C>G on transcript NM_001244710.2 (MANE Select); coding-DNA position 305, C replaced by G.
Protein change: p.Pro102Arg; replaces proline 102 with arginine.
Molecular consequence: missense variant.
Genome position (GRCh38, 1-based): chr2:69,363,589, G>C on the plus strand (C>G on the coding strand, the complement: GFPT1 is on the minus strand). VCF-style: chr2-69363589-G-C. GRCh37 (hg19) VCF-style: chr2-69590721-G-C.
Other names: c.305C>G, p.Pro102Arg (NM_002056.4); short protein forms P102R.
Identifiers: ClinVar variation 1056788 (VCV001056788.9), dbSNP rs1574074621, ClinGen allele CA347133472.

ClinVar aggregate classification (germline): Uncertain significance (1 of 4 stars; one submission).

Conditions:
Congenital myasthenic syndrome 12 (CMS12). Also called: MYASTHENIC SYNDROME, CONGENITAL, WITH TUBULAR AGGREGATES 1; Myasthenia, congenital, 12, with tubular aggregates. Identifiers: Orphanet 353327, Orphanet 590, MedGen C3552335, MONDO:0012518, OMIM 610542.

Submission:

Labcorp Genetics (formerly Invitae), Labcorp
Classification: Uncertain significance for Congenital myasthenic syndrome 12. Last evaluated: 2024-04-25. Review status: criteria provided, single submitter. Criteria: Invitae Variant Classification Sherloc (09022015). Collection method: clinical testing. Allele origin: germline.
Comment: This sequence change replaces proline, which is neutral and non-polar, with arginine, which is basic and polar, at codon 102 of the GFPT1 protein (p.Pro102Arg). This variant is not present in population databases (gnomAD no frequency). This variant has not been reported in the literature in individuals affected with GFPT1-related conditions. ClinVar contains an entry for this variant (Variation ID: 1056788). Advanced modeling of protein sequence and biophysical properties (such as structural, functional, and spatial information, amino acid conservation, physicochemical variation, residue mobility, and thermodynamic stability) performed at Invitae indicates that this missense variant is expected to disrupt GFPT1 protein function with a positive predictive value of 80%. In summary, the available evidence is currently insufficient to determine the role of this variant in disease. Therefore, it has been classified as a Variant of Uncertain Significance.